The following is an entry in ClinVar:

ClinVar aggregate classification (germline): Likely benign. Review status: criteria provided, multiple submitters, no conflicts (2 of 4 stars). 2 submissions from 2 submitters: Likely benign (2). Last evaluated 2025-09-04.

Allele frequency attached by ClinVar (database versions not stated): gnomAD exomes 0.00003; ExAC 0.00004; gnomAD 0.00006 and 0.00005; TOPMed 0.00007.
gnomAD v4.1: 96 of 1,613,686 alleles (0.0059%); highest among the groups gnomAD compares: South Asian, 0.011%; no homozygotes.

Submissions (2):

Labcorp Genetics (formerly Invitae), Labcorp
Classification: Likely benign. Last evaluated: 2025-09-04. Review status: criteria provided, single submitter. Criteria: Invitae Variant Classification Sherloc (09022015). Collection method: clinical testing. Allele origin: germline.

Laboratory for Molecular Medicine, Mass General Brigham Personalized Medicine
Classification: Likely benign. Last evaluated: 2016-04-07. Review status: criteria provided, single submitter. Criteria: LMM Criteria. Collection method: clinical testing. Allele origin: germline. Observed: 1 variant allele.
Comment: p.Pro2208Pro in Exon 31 of MYO15A: This variant is not expected to have clinical significance because it does not alter an amino acid residue, is not located wi thin the splice consensus sequence, and has been identified in 2/16502 chromosom es by the Exome Aggregation Consortium (ExAC; db SNP rs560456552).

NM_016239.4(MYO15A):c.6624G>A (p.Pro2208=)

Gene: MYO15A (myosin XVA; plus strand). Cytogenetic location: 17p11.2.
Variant type: single nucleotide variant.
Coding change: c.6624G>A on transcript NM_016239.4 (MANE Select); coding-DNA position 6624, G replaced by A.
Protein change: p.Pro2208=; no amino-acid change (proline 2208 retained).
Molecular consequence: synonymous variant.
Genome position (GRCh38, 1-based): chr17:18,148,143, G>A. VCF-style: chr17-18148143-G-A. GRCh37 (hg19) VCF-style: chr17-18051457-G-A.
Identifiers: ClinVar variation 227647 (VCV000227647.7), dbSNP rs560456552, ClinGen allele CA8424637.